The following is an entry in ClinVar:

NM_000027.4(AGA):c.914T>A (p.Ile305Lys)

Gene: AGA (aspartylglucosaminidase; minus strand). Cytogenetic location: 4q34.3.
Variant type: single nucleotide variant.
Coding change: c.914T>A on transcript NM_000027.4 (MANE Select); coding-DNA position 914, T replaced by A.
Protein change: p.Ile305Lys; replaces isoleucine 305 with lysine.
Molecular consequence: missense variant. On other transcripts: non-coding transcript variant (1).
Genome position (GRCh38, 1-based): chr4:177,433,240, A>T on the plus strand (T>A on the coding strand, the complement: AGA is on the minus strand). VCF-style: chr4-177433240-A-T. GRCh37 (hg19) VCF-style: chr4-178354394-A-T.
Other names: c.884T>A, p.Ile295Lys (NM_001171988.2); short protein forms I295K, I305K.
Identifiers: ClinVar variation 2164170 (VCV002164170.1), dbSNP rs373616948, ClinGen allele CA3146759.
Genomic context (GRCh38, chr4:177,433,240, plus strand): 5'-GTTCACACAAATACAAAATCCAAACACAACTTACCGTAACTTCCAGTCACATTGGCACAT[A>T]TAACAGCCCCAAAGAATTCTGGAAAATGCTTCTGGATTCTTGAAATCACTTTTTGGCAAG-3'
Protein context (NP_000018.2, residues 295-315): KHFPEFFGAV[Ile305Lys]CANVTGSYGA

ClinVar aggregate classification (germline): Uncertain significance (1 of 4 stars; one submission).

Conditions:
Aspartylglucosaminuria (AGU). Also called: Aspartylglucos-aminuria; Aspartylglucos-amidase (AGA) deficiency; AGA DEFICIENCY; GLYCOASPARAGINASE; GLYCOSYLASPARAGINASE DEFICIENCY. Identifiers: Orphanet 93, MedGen C0268225, MONDO:0008830, OMIM 208400, HP:0012068.

Allele frequency attached by ClinVar (database versions not stated): gnomAD 0.00002; TOPMed 0.00002; ESP Exome Variant Server 0.00008.
gnomAD v4.1: 16 of 1,614,024 alleles (0.00099%); highest among the groups gnomAD compares: Non-Finnish European, 0.0013%; no homozygotes.

Submission:

Labcorp Genetics (formerly Invitae), Labcorp
Classification: Uncertain significance for Aspartylglucosaminuria. Last evaluated: 2022-07-17. Review status: criteria provided, single submitter. Criteria: Invitae Variant Classification Sherloc (09022015). Collection method: clinical testing. Allele origin: germline.
Comment: This sequence change replaces isoleucine, which is neutral and non-polar, with lysine, which is basic and polar, at codon 305 of the AGA protein (p.Ile305Lys). This variant is present in population databases (rs373616948, gnomAD 0.003%). This variant has not been reported in the literature in individuals affected with AGA-related conditions. Advanced modeling of protein sequence and biophysical properties (such as structural, functional, and spatial information, amino acid conservation, physicochemical variation, residue mobility, and thermodynamic stability) performed at Invitae indicates that this missense variant is expected to disrupt AGA protein function. In summary, the available evidence is currently insufficient to determine the role of this variant in disease. Therefore, it has been classified as a Variant of Uncertain Significance.